The following is an entry in ClinVar:

NM_005228.5(EGFR):c.2777T>A (p.Ile926Asn)

Gene: EGFR (epidermal growth factor receptor; plus strand). Cytogenetic location: 7p11.2.
Variant type: single nucleotide variant.
Coding change: c.2777T>A on transcript NM_005228.5 (MANE Select); coding-DNA position 2777, T replaced by A.
Protein change: p.Ile926Asn; replaces isoleucine 926 with asparagine.
Molecular consequence: missense variant.
Genome position (GRCh38, 1-based): chr7:55,198,792, T>A. VCF-style: chr7-55198792-T-A. GRCh37 (hg19) VCF-style: chr7-55266485-T-A.
Other names: c.2642T>A, p.Ile881Asn (NM_001346897.2, NM_001346899.2); c.2777T>A, p.Ile926Asn (NM_001346898.2); c.2618T>A, p.Ile873Asn (NM_001346900.2); c.1976T>A, p.Ile659Asn (NM_001346941.2); c.2777T>A (NM_005228.4); short protein forms I659N, I873N, I881N, I926N.
Identifiers: ClinVar variation 1125561 (VCV001125561.12), dbSNP rs767507216, ClinGen allele CA4266176.

ClinVar aggregate classification (germline): Benign/Likely benign. Review status: criteria provided, multiple submitters, no conflicts (2 of 4 stars). 4 submissions from 4 submitters: Benign (1); Likely benign (3). Last evaluated 2026-02-03.

Conditions:
Hereditary cancer-predisposing syndrome. Also called: Tumor predisposition; Hereditary Cancer Syndrome; Neoplastic Syndromes, Hereditary; Hereditary neoplastic syndrome. Identifiers: Orphanet 140162, MedGen C0027672, MeSH D009386, MONDO:0015356.
EGFR-related lung cancer (EGFR). Identifiers: MedGen CN130014.
EGFR-related disorder. Also called: EGFR-related condition.

Allele frequency attached by ClinVar (database versions not stated): gnomAD 0.00006; TOPMed 0.00016; ExAC 0.00027.
gnomAD v4.1: 114 of 1,614,104 alleles (0.0071%); highest among the groups gnomAD compares: Admixed American, 0.19%; no homozygotes.

Submissions (4):

Labcorp Genetics (formerly Invitae), Labcorp
Classification: Likely benign for EGFR-related lung cancer. Last evaluated: 2026-02-03. Review status: criteria provided, single submitter. Criteria: Invitae Variant Classification Sherloc (09022015). Collection method: clinical testing. Allele origin: germline.

PreventionGenetics, part of Exact Sciences
Classification: Likely benign for EGFR-related condition. Last evaluated: 2024-12-05. Review status: criteria provided, single submitter. Criteria: ACMG Guidelines, 2015. Collection method: clinical testing. Allele origin: germline.
Comment: This variant is classified as likely benign based on ACMG/AMP sequence variant interpretation guidelines (Richards et al. 2015 PMID: 25741868, with internal and published modifications).

Ambry Genetics
Classification: Benign for Hereditary cancer-predisposing syndrome. Last evaluated: 2024-10-28. Review status: criteria provided, single submitter. Criteria: Ambry Variant Classification Scheme 2023. Collection method: clinical testing. Allele origin: germline.

Sema4
Classification: Likely benign for Hereditary cancer-predisposing syndrome. Last evaluated: 2021-09-14. Review status: criteria provided, single submitter. Criteria: Sema4 Curation Guidelines. Collection method: curation. Allele origin: germline.